The following is an entry in ClinVar:

NM_000206.3(IL2RG):c.626C>T (p.Ser209Phe)

Gene: IL2RG (interleukin 2 receptor subunit gamma; minus strand). Cytogenetic location: Xq13.1.
Variant type: single nucleotide variant.
Coding change: c.626C>T on transcript NM_000206.3 (MANE Select); coding-DNA position 626, C replaced by T.
Protein change: p.Ser209Phe; replaces serine 209 with phenylalanine.
Molecular consequence: missense variant.
Genome position (GRCh38, 1-based): chrX:71,109,359, G>A on the plus strand (C>T on the coding strand, the complement: IL2RG is on the minus strand). VCF-style: chrX-71109359-G-A. GRCh37 (hg19) VCF-style: chrX-70329209-G-A.
Other names: short protein forms S209F.
Identifiers: ClinVar variation 1984598 (VCV001984598.4), dbSNP rs2519645663, ClinGen allele CA413496097.

ClinVar aggregate classification (germline): Uncertain significance (1 of 4 stars; one submission).

Conditions:
X-linked severe combined immunodeficiency (SCIDX1). Also called: IMMUNODEFICIENCY 4; SCID, X-LINKED; SEVERE COMBINED IMMUNODEFICIENCY, X-LINKED, T CELL-NEGATIVE, B CELL-POSITIVE, NK CELL-NEGATIVE; T-B+ severe combined immunodeficiency due to gamma chain deficiency; X-Linked Combined Immunodeficiency Diseases. Identifiers: Orphanet 276, MedGen C6022468, MONDO:0010315, OMIM 300400. Disease mechanism: loss of function.

Submission:

Labcorp Genetics (formerly Invitae), Labcorp
Classification: Uncertain significance for X-linked severe combined immunodeficiency. Last evaluated: 2022-03-21. Review status: criteria provided, single submitter. Criteria: Invitae Variant Classification Sherloc (09022015). Collection method: clinical testing. Allele origin: germline.
Comment: In summary, the available evidence is currently insufficient to determine the role of this variant in disease. Therefore, it has been classified as a Variant of Uncertain Significance. Algorithms developed to predict the effect of sequence changes on RNA splicing suggest that this variant may create or strengthen a splice site. Algorithms developed to predict the effect of missense changes on protein structure and function are either unavailable or do not agree on the potential impact of this missense change (SIFT: "Deleterious"; PolyPhen-2: "Probably Damaging"; Align-GVGD: "Class C15"). This variant has not been reported in the literature in individuals affected with IL2RG-related conditions. This variant is not present in population databases (gnomAD no frequency). This sequence change replaces serine, which is neutral and polar, with phenylalanine, which is neutral and non-polar, at codon 209 of the IL2RG protein (p.Ser209Phe).